The following is an entry in ClinVar:

NM_000204.5(CFI):c.540A>G (p.Glu180=)

Gene: CFI (complement factor I; minus strand). Cytogenetic location: 4q25.
Variant type: single nucleotide variant.
Coding change: c.540A>G on transcript NM_000204.5 (MANE Select); coding-DNA position 540, A replaced by G.
Protein change: p.Glu180=; no amino-acid change (glutamic acid 180 retained).
Molecular consequence: synonymous variant. On other transcripts: 5 prime UTR variant (1), non-coding transcript variant (3).
Genome position (GRCh38, 1-based): chr4:109,761,635, T>C on the plus strand (A>G on the coding strand, the complement: CFI is on the minus strand). VCF-style: chr4-109761635-T-C. GRCh37 (hg19) VCF-style: chr4-110682791-T-C.
Other names: c.540A>G, p.Glu180= (NM_001318057.2, NM_001331035.2, NM_001375278.1 and 5 more transcripts); c.-70A>G (NM_001375284.1).
Identifiers: ClinVar variation 347169 (VCV000347169.10), dbSNP rs759777516, ClinGen allele CA3042234.

ClinVar aggregate classification (germline): Likely benign. Review status: criteria provided, multiple submitters, no conflicts (2 of 4 stars). 4 submissions from 4 submitters: Likely benign (4). Last evaluated 2025-09-26.

Conditions:
Factor I deficiency (CFID). Also called: Complement factor I deficiency. Identifiers: Orphanet 200418, MedGen C3463916, MONDO:0012594, OMIM 610984.
Atypical hemolytic-uremic syndrome with I factor anomaly. Also called: HEMOLYTIC UREMIC SYNDROME, ATYPICAL, SUSCEPTIBILITY TO, 3; AHUS, SUSCEPTIBILITY TO, 3. Identifiers: Orphanet 2134, MedGen C2752039, MONDO:0013041, OMIM 612923.
Age related macular degeneration 13. Identifiers: MedGen C3809523, MONDO:0014189, OMIM 615439.
Atypical hemolytic-uremic syndrome. Identifiers: Orphanet 2134, MedGen C2931788, MONDO:0016244.

Allele frequency attached by ClinVar (database versions not stated): gnomAD exomes 0.00001; TOPMed 0.00001; ExAC 0.00002.
gnomAD v4.1: 14 of 1,613,826 alleles (0.00087%); highest among the groups gnomAD compares: Admixed American, 0.0017%; no homozygotes.

Submissions (4):

Genomenon, Inc
Classification: Likely benign for Atypical hemolytic-uremic syndrome. Last evaluated: 2025-09-26. Review status: criteria provided, single submitter. Criteria: Genomenon Sequence Variant Interpretation Standards - Updated. Collection method: curation. Allele origin: germline. Affected: yes.
Comment: CFI p.Glu180= (c.540A>G) is a synonymous (silent) variant that retains Glutamic acid at residue 180. This variant has been observed in at least one proband affected with atypical hemolytic-uremic syndrome (PMID:36421183). It is absent or not present at a significant frequency in gnomAD. This synonymous variant is not predicted to impact splicing. In conclusion, we classify CFI p.Glu180= (c.540A>G) as a likely benign variant.

Labcorp Genetics (formerly Invitae), Labcorp
Classification: Likely benign. Last evaluated: 2023-07-26. Review status: criteria provided, single submitter. Criteria: Invitae Variant Classification Sherloc (09022015). Collection method: clinical testing. Allele origin: germline.

Fulgent Genetics
Classification: Likely benign for Factor I deficiency; Atypical hemolytic-uremic syndrome with I factor anomaly; Age related macular degeneration 13. Last evaluated: 2022-02-08. Review status: criteria provided, single submitter. Criteria: ACMG Guidelines, 2015. Collection method: clinical testing. Allele origin: unknown.

Illumina Laboratory Services, Illumina
Classification: Likely benign for Atypical hemolytic-uremic syndrome with I factor anomaly. Last evaluated: 2018-01-12. Review status: criteria provided, single submitter. Criteria: ICSL Variant Classification Criteria 13 December 2019. Collection method: clinical testing. Allele origin: germline.
Comment: This variant was observed in the ICSL laboratory as part of a predisposition screen in an ostensibly healthy population. It had not been previously curated by ICSL or reported in the Human Gene Mutation Database (HGMD: prior to June 1st, 2018), and was therefore a candidate for classification through an automated scoring system. Utilizing variant allele frequency, disease prevalence and penetrance estimates, and inheritance mode, an automated score was calculated to assess if this variant is too frequent to cause the disease. Based on the score and internal cut-off values, a variant classified as likely benign is not then subjected to further curation. The score for this variant resulted in a classification of likely benign for this disease.

Literature cited by the submitters: PubMed 36421183 (cited by Genomenon, Inc).